The following is an entry in ClinVar:

NM_015512.5(DNAH1):c.202_203del (p.Pro68fs)

Gene: DNAH1 (dynein axonemal heavy chain 1; plus strand). Cytogenetic location: 3p21.1.
Variant type: Deletion.
Coding change: c.202_203del on transcript NM_015512.5 (MANE Select); coding-DNA positions 202 to 203, 2 bases deleted (CC; older notation c.202_203delCC).
Protein change: p.Pro68fs; shifts the reading frame from proline 68.
Molecular consequence: frameshift variant.
Genome position (GRCh38, 1-based): chr3:52,322,644-52,322,645, CC deleted; deleting any 2 consecutive bases within chr3:52,322,642-52,322,645 gives the same sequence; the c. name uses the placement nearest the transcript's 3' end. VCF-style (leftmost placement, unchanged base first): chr3-52322641-GCC-G. GRCh37 (hg19) VCF-style: chr3-52356657-GCC-G.
Other names: short protein forms P68fs.
Identifiers: ClinVar variation 2029087 (VCV002029087.4), dbSNP rs2471123795, ClinGen allele CA2580070146.

ClinVar aggregate classification (germline): Pathogenic (1 of 4 stars; one submission).

Conditions:
Spermatogenic failure 18. Identifiers: MedGen C4539783, MONDO:0054615, OMIM 617576.
Ciliary dyskinesia, primary, 37 (CILD37). Also called: CILIARY DYSKINESIA, PRIMARY, 37, WITH OR WITHOUT SITUS INVERSUS. Identifiers: MedGen C4539798, MONDO:0033204, OMIM 617577.

Submission:

Labcorp Genetics (formerly Invitae), Labcorp
Classification: Pathogenic for Ciliary dyskinesia, primary, 37; Spermatogenic failure 18. Last evaluated: 2022-09-05. Review status: criteria provided, single submitter. Criteria: Invitae Variant Classification Sherloc (09022015). Collection method: clinical testing. Allele origin: germline.
Comment: This sequence change creates a premature translational stop signal (p.Pro68Thrfs*18) in the DNAH1 gene. It is expected to result in an absent or disrupted protein product. Loss-of-function variants in DNAH1 are known to be pathogenic (PMID: 27573432, 27798045). This variant is not present in population databases (gnomAD no frequency). This variant has not been reported in the literature in individuals affected with DNAH1-related conditions. For these reasons, this variant has been classified as Pathogenic.

Literature cited by the submitters: PubMed 27573432; PubMed 27798045.